The following is an entry in ClinVar:

ClinVar aggregate classification (germline): Uncertain significance (1 of 4 stars; one submission).

Conditions:
Charcot-Marie-Tooth disease type 2. Also called: Charcot-Marie-Tooth type 2. Identifiers: Orphanet 64746, MedGen C0270914, MONDO:0018993.

Allele frequency attached by ClinVar (database versions not stated): gnomAD exomes below 0.00001.
gnomAD v4.1: 1 of 1,613,992 alleles (0.000062%); highest among the groups gnomAD compares: Non-Finnish European, 0.000085%; no homozygotes.

Submission:

Labcorp Genetics (formerly Invitae), Labcorp
Classification: Uncertain significance for Charcot-Marie-Tooth disease type 2. Last evaluated: 2022-08-16. Review status: criteria provided, single submitter. Criteria: Invitae Variant Classification Sherloc (09022015). Collection method: clinical testing. Allele origin: germline.
Comment: This sequence change replaces threonine, which is neutral and polar, with isoleucine, which is neutral and non-polar, at codon 4 of the AARS protein (p.Thr4Ile). This variant is not present in population databases (gnomAD no frequency). This variant has not been reported in the literature in individuals affected with AARS-related conditions. ClinVar contains an entry for this variant (Variation ID: 1009139). Algorithms developed to predict the effect of missense changes on protein structure and function output the following: SIFT: "Tolerated"; PolyPhen-2: "Benign"; Align-GVGD: "Class C0". The isoleucine amino acid residue is found in multiple mammalian species, which suggests that this missense change does not adversely affect protein function. In summary, the available evidence is currently insufficient to determine the role of this variant in disease. Therefore, it has been classified as a Variant of Uncertain Significance.

NM_001605.3(AARS1):c.11C>T (p.Thr4Ile)

Gene: AARS1 (alanyl-tRNA synthetase 1; minus strand). Cytogenetic location: 16q22.1.
Variant type: single nucleotide variant.
Coding change: c.11C>T on transcript NM_001605.3 (MANE Select); coding-DNA position 11, C replaced by T.
Protein change: p.Thr4Ile; replaces threonine 4 with isoleucine.
Molecular consequence: missense variant.
Genome position (GRCh38, 1-based): chr16:70,282,753, G>A on the plus strand (C>T on the coding strand, the complement: AARS1 is on the minus strand). VCF-style: chr16-70282753-G-A. GRCh37 (hg19) VCF-style: chr16-70316656-G-A.
Other names: short protein forms T4I.
Identifiers: ClinVar variation 1009139 (VCV001009139.8), dbSNP rs1335517508, ClinGen allele CA396570756.